The following is an entry in ClinVar:

NM_006432.5(NPC2):c.18T>C (p.Ala6=)

Gene: NPC2 (NPC intracellular cholesterol transporter 2; minus strand). Cytogenetic location: 14q24.3.
Variant type: single nucleotide variant.
Coding change: c.18T>C on transcript NM_006432.5 (MANE Select); coding-DNA position 18, T replaced by C.
Protein change: p.Ala6=; no amino-acid change (alanine 6 retained).
Molecular consequence: synonymous variant.
Genome position (GRCh38, 1-based): chr14:74,493,257, A>G on the plus strand (T>C on the coding strand, the complement: NPC2 is on the minus strand). VCF-style: chr14-74493257-A-G. GRCh37 (hg19) VCF-style: chr14-74959960-A-G.
Other names: c.18T>C, p.Ala6= (NM_001363688.1, NM_001375440.1).
Identifiers: ClinVar variation 4535074 (VCV004535074.6).

ClinVar aggregate classification (germline): Likely benign (1 of 4 stars; one submission).

Submission:

CeGaT Center for Human Genetics Tuebingen
Classification: Likely benign. Last evaluated: 2025-10-01. Review status: criteria provided, single submitter. Criteria: CeGaT Center For Human Genetics Tuebingen Variant Classification Criteria Version 2. Collection method: clinical testing. Allele origin: germline. Affected: yes. Observed: 1 variant allele.
Comment: NPC2: PM2:Supporting, BP4, BP7